The following is an entry in ClinVar:

NM_019032.6(ADAMTSL4):c.1070C>T (p.Pro357Leu)

Genes: ADAMTSL4 (ADAMTS like 4; plus strand), ADAMTSL4-AS2 (ADAMTSL4 antisense RNA 2; minus strand). Cytogenetic location: 1q21.2.
Variant type: single nucleotide variant.
Coding change: c.1070C>T on transcript NM_019032.6 (MANE Select); coding-DNA position 1070, C replaced by T.
Protein change: p.Pro357Leu; replaces proline 357 with leucine.
Molecular consequence: missense variant.
Genome position (GRCh38, 1-based): chr1:150,554,061, C>T. VCF-style: chr1-150554061-C-T. GRCh37 (hg19) VCF-style: chr1-150526537-C-T.
Other names: c.1070C>T, p.Pro357Leu (NM_001288607.2, NM_001288608.2, NM_001378596.1 and 1 more transcripts); short protein forms P357L.
Identifiers: ClinVar variation 3651158 (VCV003651158.2).

ClinVar aggregate classification (germline): Uncertain significance (1 of 4 stars; one submission).

gnomAD v4.1: 2 of 1,606,368 alleles (0.00012%); highest among the groups gnomAD compares: Non-Finnish European, 0.00017%; no homozygotes.

Submission:

Labcorp Genetics (formerly Invitae), Labcorp
Classification: Uncertain significance. Last evaluated: 2025-04-21. Review status: criteria provided, single submitter. Criteria: Invitae Variant Classification Sherloc (09022015). Collection method: clinical testing. Allele origin: germline.
Comment: This sequence change replaces proline, which is neutral and non-polar, with leucine, which is neutral and non-polar, at codon 357 of the ADAMTSL4 protein (p.Pro357Leu). This variant is present in population databases (rs761216030, gnomAD 0.0009%). This variant has not been reported in the literature in individuals affected with ADAMTSL4-related conditions. ClinVar contains an entry for this variant (Variation ID: 3651158). Invitae Evidence Modeling of protein sequence and biophysical properties (such as structural, functional, and spatial information, amino acid conservation, physicochemical variation, residue mobility, and thermodynamic stability) has been performed for this missense variant. However, the output from this modeling did not meet the statistical confidence thresholds required to predict the impact of this variant on ADAMTSL4 protein function. In summary, the available evidence is currently insufficient to determine the role of this variant in disease. Therefore, it has been classified as a Variant of Uncertain Significance.